The following is an entry in ClinVar:

NM_020843.4(SCAPER):c.3329G>A (p.Gly1110Asp)

Gene: SCAPER (S-phase cyclin A associated protein in the ER; minus strand). Cytogenetic location: 15q24.3.
Variant type: single nucleotide variant.
Coding change: c.3329G>A on transcript NM_020843.4 (MANE Select); coding-DNA position 3329, G replaced by A.
Protein change: p.Gly1110Asp; replaces glycine 1110 with aspartic acid.
Molecular consequence: missense variant. On other transcripts: non-coding transcript variant (1).
Genome position (GRCh38, 1-based): chr15:76,404,662, C>T on the plus strand (G>A on the coding strand, the complement: SCAPER is on the minus strand). VCF-style: chr15-76404662-C-T. GRCh37 (hg19) VCF-style: chr15-76697003-C-T.
Other names: c.2591G>A, p.Gly864Asp (NM_001145923.2); c.3347G>A, p.Gly1116Asp (NM_001353009.2); c.2927G>A, p.Gly976Asp (NM_001353010.2, NM_001353012.2); c.2945G>A, p.Gly982Asp (NM_001353011.2); short protein forms G1110D, G1116D, G976D, G864D, G982D.
Identifiers: ClinVar variation 5001401 (VCV005001401.1).

ClinVar aggregate classification (germline): Uncertain significance (1 of 4 stars; one submission).

Conditions:
SCAPER-related disorder. Also called: SCAPER-related condition.

gnomAD v4.1: 5 of 1,611,584 alleles (0.00031%); highest among the groups gnomAD compares: Non-Finnish European, 0.00042%; no homozygotes.

Submission:

PreventionGenetics, part of Exact Sciences
Classification: Uncertain significance for SCAPER-related condition. Last evaluated: 2024-11-27. Review status: criteria provided, single submitter. Criteria: ACMG Guidelines, 2015. Collection method: clinical testing. Allele origin: germline.
Comment: The SCAPER c.3347G>A variant is predicted to result in the amino acid substitution p.Gly1116Asp. To our knowledge, this variant has not been reported in the literature or in a large population database (gnomAD), indicating this variant is rare. At this time, the clinical significance of this variant is uncertain due to the absence of conclusive functional and genetic evidence.